The following is an entry in ClinVar:

NM_173560.4(RFX6):c.1438A>G (p.Thr480Ala)

Gene: RFX6 (regulatory factor X6; plus strand). Cytogenetic location: 6q22.1.
Variant type: single nucleotide variant.
Coding change: c.1438A>G on transcript NM_173560.4 (MANE Select); coding-DNA position 1438, A replaced by G.
Protein change: p.Thr480Ala; replaces threonine 480 with alanine.
Molecular consequence: missense variant.
Genome position (GRCh38, 1-based): chr6:116,923,107, A>G. VCF-style: chr6-116923107-A-G. GRCh37 (hg19) VCF-style: chr6-117244270-A-G.
Other names: c.1438A>G (NM_173560.3); short protein forms T480A.
Identifiers: ClinVar variation 1372395 (VCV001372395.4), dbSNP rs374609386, ClinGen allele CA145971647.

ClinVar aggregate classification (germline): Uncertain significance. Review status: criteria provided, multiple submitters, no conflicts (2 of 4 stars). 2 submissions from 2 submitters: Uncertain significance (2). Last evaluated 2022-06-05.

Conditions:
Inborn genetic diseases. Identifiers: MedGen C0950123, MeSH D030342.

Allele frequency attached by ClinVar (database versions not stated): gnomAD exomes below 0.00001 and 0.00001; gnomAD 0.00001; TOPMed 0.00001.
gnomAD v4.1: 10 of 1,538,786 alleles (0.00065%); highest among the groups gnomAD compares: East Asian, 0.0023%; 1 homozygote.

Submissions (2):

Labcorp Genetics (formerly Invitae), Labcorp
Classification: Uncertain significance. Last evaluated: 2022-06-05. Review status: criteria provided, single submitter. Criteria: Invitae Variant Classification Sherloc (09022015). Collection method: clinical testing. Allele origin: germline.
Comment: This sequence change replaces threonine, which is neutral and polar, with alanine, which is neutral and non-polar, at codon 480 of the RFX6 protein (p.Thr480Ala). This variant is present in population databases (rs374609386, gnomAD 0.006%). This variant has not been reported in the literature in individuals affected with RFX6-related conditions. ClinVar contains an entry for this variant (Variation ID: 1372395). Algorithms developed to predict the effect of missense changes on protein structure and function (SIFT, PolyPhen-2, Align-GVGD) all suggest that this variant is likely to be tolerated. Algorithms developed to predict the effect of sequence changes on RNA splicing suggest that this variant may create or strengthen a splice site. In summary, the available evidence is currently insufficient to determine the role of this variant in disease. Therefore, it has been classified as a Variant of Uncertain Significance.

Ambry Genetics
Classification: Uncertain significance for Inborn genetic diseases. Last evaluated: 2021-11-29. Review status: criteria provided, single submitter. Criteria: Ambry Variant Classification Scheme 2023. Collection method: clinical testing. Allele origin: germline.